The following is an entry in ClinVar:

NC_000023.11:g.(?_31875178)_(31879410_?)del

Gene: DMD (dystrophin; minus strand). Cytogenetic location: Xp21.1.
Variant type: Deletion.
Identifiers: ClinVar variation 832411 (VCV000832411.1).

ClinVar aggregate classification (germline): Pathogenic (1 of 4 stars; one submission).

Conditions:
Duchenne muscular dystrophy (DMD). Also called: Duchenne Muscular Dystrophy (DMD); MUSCULAR DYSTROPHY, PSEUDOHYPERTROPHIC PROGRESSIVE, DUCHENNE TYPE. Identifiers: Orphanet 98896, MedGen C0013264, MONDO:0010679, OMIM 310200.

Submission:

Labcorp Genetics (formerly Invitae), Labcorp
Classification: Pathogenic for Duchenne muscular dystrophy. Last evaluated: 2019-12-26. Review status: criteria provided, single submitter. Criteria: Invitae Variant Classification Sherloc (09022015). Collection method: clinical testing. Allele origin: germline.
Comment: This variant is a gross deletion of the genomic region encompassing exon 48 of the DMD gene. This leads to an in-frame deletion, preserving the integrity of the reading frame. Similar deletions have been reported in several individuals affected with Becker or Duchenne muscular dystrophy (PMID: 2063877, 25482253, 9007319). For these reasons, this variant has been classified as Pathogenic.

Literature cited by the submitters: PubMed 9007319; PubMed 2063877; PubMed 25482253.